The following is an entry in ClinVar:

ClinVar aggregate classification (germline): Benign. Review status: criteria provided, multiple submitters, no conflicts (2 of 4 stars). 4 submissions from 4 submitters: Benign (4). Last evaluated 2026-01-27.

Conditions:
Adenosine kinase deficiency. Also called: Hypermethioninemia due to adenosine kinase deficiency; MENTAL RETARDATION, AUTOSOMAL RECESSIVE 8. Identifiers: Orphanet 289290, Orphanet 88616, MedGen C4706555, MONDO:0100255, OMIM 614300.

Allele frequency attached by ClinVar (database versions not stated): gnomAD 0.02987 and 0.03126; ESP Exome Variant Server 0.03114; TOPMed 0.03124; gnomAD exomes 0.00604 and 0.01273; ExAC 0.01435; 1000 Genomes Project 0.03235; 1000 Genomes Project 30x 0.03357.
gnomAD v4.1: 13,685 of 1,613,050 alleles (0.85%); highest among the groups gnomAD compares: African/African-American, 9.3%; 418 homozygotes.

Submissions (4):

Labcorp Genetics (formerly Invitae), Labcorp
Classification: Benign. Last evaluated: 2026-01-27. Review status: criteria provided, single submitter. Criteria: Invitae Variant Classification Sherloc (09022015). Collection method: clinical testing. Allele origin: germline.

GeneDx
Classification: Benign. Last evaluated: 2021-05-04. Review status: criteria provided, single submitter. Criteria: GeneDx Variant Classification Process June 2021. Collection method: clinical testing. Allele origin: germline. Affected: yes.

Illumina Laboratory Services, Illumina
Classification: Benign for Adenosine kinase deficiency. Last evaluated: 2018-01-12. Review status: criteria provided, single submitter. Criteria: ICSL Variant Classification Criteria 13 December 2019. Collection method: clinical testing. Allele origin: germline.
Comment: This variant was observed in the ICSL laboratory as part of a predisposition screen in an ostensibly healthy population. It had not been previously curated by ICSL or reported in the Human Gene Mutation Database (HGMD: prior to June 1st, 2018), and was therefore a candidate for classification through an automated scoring system. Utilizing variant allele frequency, disease prevalence and penetrance estimates, and inheritance mode, an automated score was calculated to assess if this variant is too frequent to cause the disease. Based on the score and internal cut-off values, a variant classified as benign is not then subjected to further curation. The score for this variant resulted in a classification of benign for this disease.

Breakthrough Genomics
Classification: Benign. Review status: criteria provided, single submitter. Criteria: ACMG Guidelines, 2015. Collection method: not provided. Allele origin: germline. Inheritance: Autosomal recessive inheritance. Affected: yes.

NM_006721.4(ADK):c.705T>C (p.Asp235=)

Genes: ADK (adenosine kinase; plus strand), ADK-AS1 (ADK antisense RNA 1; minus strand). Cytogenetic location: 10q22.2.
Variant type: single nucleotide variant.
Coding change: c.705T>C on transcript NM_006721.4 (MANE Select); coding-DNA position 705, T replaced by C.
Protein change: p.Asp235=; no amino-acid change (aspartic acid 235 retained).
Molecular consequence: synonymous variant. On other transcripts: intron variant (2).
Genome position (GRCh38, 1-based): chr10:74,525,405, T>C. VCF-style: chr10-74525405-T-C. GRCh37 (hg19) VCF-style: chr10-76285163-T-C.
Other names: c.654T>C, p.Asp218= (NM_001123.4); c.600T>C, p.Asp200= (NM_001202449.2); c.705T>C, p.Asp235= (NM_001369123.1); c.556-63877T>C (NM_001202450.2); c.505-63877T>C (NM_001369124.1).
Identifiers: ClinVar variation 300839 (VCV000300839.16), dbSNP rs16931480, ClinGen allele CA5564013.